The following is an entry in ClinVar:

NC_000016.10:g.2056989_2074645del

Gene: TSC2 (TSC complex subunit 2; plus strand). Cytogenetic location: 16p13.3.
Variant type: Deletion.
Identifiers: ClinVar variation 1696836 (VCV001696836.1).

ClinVar aggregate classification (germline): Pathogenic (1 of 4 stars; one submission).

Conditions:
Tuberous sclerosis 2 (TSC2). Identifiers: Orphanet 805, MedGen C1860707, MONDO:0013199, OMIM 613254.

Submission:

Division of Genomic Medicine, Department of Advanced Medicine, Medical Research Institute, Kanazawa Medical University
Classification: Pathogenic for Tuberous sclerosis 2. Last evaluated: 2022-07-17. Review status: criteria provided, single submitter. Criteria: ACMG Guidelines, 2015. Collection method: clinical testing. Allele origin: germline. Affected: yes. Observed: 1 variant allele.
Comment: Intragenic TSC2 large deletion.